The following is an entry in ClinVar:

NM_001385125.1(OPN1SW):c.3G>A (p.Met1Ile)

Gene: OPN1SW (opsin 1, short wave sensitive; minus strand). Cytogenetic location: 7q32.1.
Variant type: single nucleotide variant.
Coding change: c.3G>A on transcript NM_001385125.1 (MANE Select); coding-DNA position 3, G replaced by A.
Protein change: p.Met1Ile; changes the start codon (methionine 1).
Molecular consequence: missense variant, initiator codon variant.
Genome position (GRCh38, 1-based): chr7:128,775,779, C>T on the plus strand (G>A on the coding strand, the complement: OPN1SW is on the minus strand). VCF-style: chr7-128775779-C-T. GRCh37 (hg19) VCF-style: chr7-128415833-C-T.
Other names: short protein forms M1I.
Identifiers: ClinVar variation 1056245 (VCV001056245.9), dbSNP rs370330830, ClinGen allele CA4473079.

ClinVar aggregate classification (germline): Uncertain significance (1 of 4 stars; one submission).

Allele frequency attached by ClinVar (database versions not stated): gnomAD exomes 0.00001 and 0.00023; ExAC 0.00002; gnomAD 0.00004; TOPMed 0.00004; ESP Exome Variant Server 0.00008.

Submission:

Labcorp Genetics (formerly Invitae), Labcorp
Classification: Uncertain significance. Last evaluated: 2024-06-09. Review status: criteria provided, single submitter. Criteria: Invitae Variant Classification Sherloc (09022015). Collection method: clinical testing. Allele origin: germline.
Comment: This sequence change replaces methionine, which is neutral and non-polar, with isoleucine, which is neutral and non-polar, at codon 4 of the OPN1SW protein (p.Met4Ile). This variant is present in population databases (rs370330830, gnomAD 0.003%). This variant has not been reported in the literature in individuals affected with OPN1SW-related conditions. ClinVar contains an entry for this variant (Variation ID: 1056245). An algorithm developed to predict the effect of missense changes on protein structure and function (PolyPhen-2) suggests that this variant is likely to be disruptive. In summary, the available evidence is currently insufficient to determine the role of this variant in disease. Therefore, it has been classified as a Variant of Uncertain Significance.